The following is an entry in ClinVar:

NM_001370658.1(BTD):c.1493_1494dup (p.Tyr499fs)

Gene: BTD (biotinidase; plus strand). Cytogenetic location: 3p25.1.
Variant type: Duplication.
Coding change: c.1493_1494dup on transcript NM_001370658.1 (MANE Select); coding-DNA positions 1493 to 1494, 2 bases duplicated (AC; older notation c.1493_1494dupAC).
Protein change: p.Tyr499fs; shifts the reading frame from tyrosine 499.
Molecular consequence: frameshift variant. On other transcripts: intron variant (8).
Genome position (GRCh38, 1-based): chr3:15,645,409-15,645,410, AC duplicated; duplicating any 2 consecutive bases within chr3:15,645,408-15,645,410 gives the same sequence; the c. name uses the placement nearest the transcript's 3' end. VCF-style (leftmost placement, unchanged base first): chr3-15645407-C-CCA. GRCh37 (hg19) VCF-style: chr3-15686914-C-CCA.
Other names: c.1493_1494dup, p.Tyr499fs (NM_001323582.2, NM_001407364.1, NM_001407365.1 and 16 more transcripts); c.1015+478_1015+479dup (NM_001370752.1, NM_001407379.1); c.399+3352_399+3353dup (NM_001370753.1, NM_001407400.1, NM_001407401.1 and 3 more transcripts); short protein forms Y499fs.
Identifiers: ClinVar variation 4712891 (VCV004712891.1).

ClinVar aggregate classification (germline): Pathogenic (1 of 4 stars; one submission).

Conditions:
Biotinidase deficiency. Also called: BTD deficiency; Late-onset biotin-responsive multiple carboxylase deficiency; Biotin deficiency. Identifiers: Orphanet 79241, MedGen C0220754, MONDO:0009665, OMIM 253260.

Submission:

Labcorp Genetics (formerly Invitae), Labcorp
Classification: Pathogenic for Biotinidase deficiency. Last evaluated: 2025-02-12. Review status: criteria provided, single submitter. Criteria: Invitae Variant Classification Sherloc (09022015). Collection method: clinical testing. Allele origin: germline.
Comment: This sequence change creates a premature translational stop signal (p.Tyr519Thrfs*4) in the BTD gene. While this is not anticipated to result in nonsense mediated decay, it is expected to disrupt the last 25 amino acid(s) of the BTD protein. This variant is not present in population databases (gnomAD no frequency). This variant has not been reported in the literature in individuals affected with BTD-related conditions. This variant disrupts a region of the BTD protein in which other variant(s) (p.Asp543Glu) have been determined to be pathogenic (PMID: 22698809, 25174816, 25967232, 28498829). This suggests that this is a clinically significant region of the protein, and that variants that disrupt it are likely to be disease-causing. For these reasons, this variant has been classified as Pathogenic.

Literature cited by the submitters: PubMed 22698809; PubMed 25174816; PubMed 25967232; PubMed 28498829.